The following is an entry in ClinVar:

NM_000135.4(FANCA):c.2053_2054dup (p.Ala686fs)

Gene: FANCA (FA complementation group A; minus strand). Cytogenetic location: 16q24.3.
Variant type: Duplication.
Coding change: c.2053_2054dup on transcript NM_000135.4 (MANE Select); coding-DNA positions 2053 to 2054, 2 bases duplicated (AG; older notation c.2053_2054dupAG).
Protein change: p.Ala686fs; shifts the reading frame from alanine 686.
Molecular consequence: frameshift variant.
Genome position (GRCh38, 1-based): chr16:89,771,775-89,771,776, CT duplicated on the plus strand (AG on the coding strand, the reverse complement: FANCA is on the minus strand); duplicating any 2 consecutive bases within chr16:89,771,775-89,771,777 gives the same sequence; the c. name uses the placement nearest the transcript's 3' end. VCF-style (leftmost placement, unchanged base first): chr16-89771774-C-CCT. GRCh37 (hg19) VCF-style: chr16-89838182-C-CCT.
Other names: c.2053_2054dup, p.Ala686fs (NM_001286167.3); short protein forms A686fs.
Identifiers: ClinVar variation 1068810 (VCV001068810.7), dbSNP rs2143351188, ClinGen allele CA2499223843.

ClinVar aggregate classification (germline): Pathogenic (1 of 4 stars; one submission).

Conditions:
Fanconi anemia (FA). Also called: Fanconi's anemia. Identifiers: Orphanet 84, MedGen C0015625, MeSH D005199, MONDO:0019391.

Submission:

Labcorp Genetics (formerly Invitae), Labcorp
Classification: Pathogenic for Fanconi anemia. Last evaluated: 2020-03-03. Review status: criteria provided, single submitter. Criteria: Invitae Variant Classification Sherloc (09022015). Collection method: clinical testing. Allele origin: germline.
Comment: This variant has not been reported in the literature in individuals with FANCA-related conditions. Loss-of-function variants in FANCA are known to be pathogenic (PMID: 19367192). For these reasons, this variant has been classified as Pathogenic. This variant is not present in population databases (ExAC no frequency). This sequence change creates a premature translational stop signal (p.Ala686Glyfs*39) in the FANCA gene. It is expected to result in an absent or disrupted protein product.

Literature cited by the submitters: PubMed 19367192.